The following is an entry in ClinVar:

NM_005654.6(NR2F1):c.244C>T (p.Gln82Ter)

Genes: NR2F1 (nuclear receptor subfamily 2 group F member 1; plus strand), NR2F1-AS1 (NR2F1 regulatory antisense RNA 1; minus strand). Cytogenetic location: 5q15.
Variant type: single nucleotide variant.
Coding change: c.244C>T on transcript NM_005654.6 (MANE Select); coding-DNA position 244, C replaced by T.
Protein change: p.Gln82Ter; replaces glutamine 82 with a stop codon.
Molecular consequence: nonsense.
Genome position (GRCh38, 1-based): chr5:93,585,267, C>T. VCF-style: chr5-93585267-C-T. GRCh37 (hg19) VCF-style: chr5-92920973-C-T.
Other names: short protein forms Q82*.
Identifiers: ClinVar variation 1320179 (VCV001320179.1), dbSNP rs2149941551, ClinGen allele CA360525832.

ClinVar aggregate classification (germline): Likely pathogenic (1 of 4 stars; one submission).

Conditions:
Bosch-Boonstra-Schaaf optic atrophy syndrome (BBSOAS). Also called: NR2F1-Related Neurodevelopmental Disorder. Identifiers: Orphanet 401777, MedGen C3810363, MONDO:0014320, OMIM 615722.

Submission:

3billion
Classification: Likely pathogenic for Bosch-Boonstra-Schaaf optic atrophy syndrome. Last evaluated: 2021-10-02. Review status: criteria provided, single submitter. Criteria: ACMG Guidelines, 2015. Collection method: clinical testing. Allele origin: unknown. Affected: yes. Observed: 1 heterozygote.
Comment: Stop-gained (nonsense): predicted to result in a loss or disruption of normal protein function through nonsense-mediated decay (NMD) or protein truncation. Multiple pathogenic variants are reported downstream of the variant (PVS1_VS). It is not observed in the gnomAD v2.1.1 dataset (PM2). Therefore, this variant is classified as likely pathogenic according to the recommendation of ACMG/AMP guideline.